The following is an entry in ClinVar:

ClinVar aggregate classification (germline): Uncertain significance. Review status: criteria provided, multiple submitters, no conflicts (2 of 4 stars). 2 submissions from 2 submitters: Uncertain significance (2). Last evaluated 2022-01-28.

Conditions:
Inborn genetic diseases. Identifiers: MedGen C0950123, MeSH D030342.

Allele frequency attached by ClinVar (database versions not stated): TOPMed 0.00001; ExAC 0.00002; gnomAD 0.00003.
gnomAD v4.1: 10 of 1,614,032 alleles (0.00062%); highest among the groups gnomAD compares: African/African-American, 0.0027%; no homozygotes.

Submissions (2):

Labcorp Genetics (formerly Invitae), Labcorp
Classification: Uncertain significance. Last evaluated: 2022-01-28. Review status: criteria provided, single submitter. Criteria: Invitae Variant Classification Sherloc (09022015). Collection method: clinical testing. Allele origin: germline.
Comment: This sequence change replaces aspartic acid, which is acidic and polar, with glycine, which is neutral and non-polar, at codon 1440 of the DMXL2 protein (p.Asp1440Gly). This variant is present in population databases (rs773023236, gnomAD 0.003%). This variant has not been reported in the literature in individuals affected with DMXL2-related conditions. Algorithms developed to predict the effect of missense changes on protein structure and function are either unavailable or do not agree on the potential impact of this missense change (SIFT: "Deleterious"; PolyPhen-2: "Probably Damaging"; Align-GVGD: "Class C15"). Algorithms developed to predict the effect of sequence changes on RNA splicing suggest that this variant may create or strengthen a splice site. In summary, the available evidence is currently insufficient to determine the role of this variant in disease. Therefore, it has been classified as a Variant of Uncertain Significance.

Ambry Genetics
Classification: Uncertain significance for Inborn genetic diseases. Last evaluated: 2021-07-13. Review status: criteria provided, single submitter. Criteria: Ambry Variant Classification Scheme 2023. Collection method: clinical testing. Allele origin: germline.

NM_001378457.1(DMXL2):c.4319A>G (p.Asp1440Gly)

Gene: DMXL2 (Dmx like 2; minus strand). Cytogenetic location: 15q21.2.
Variant type: single nucleotide variant.
Coding change: c.4319A>G on transcript NM_001378457.1 (MANE Select); coding-DNA position 4319, A replaced by G.
Protein change: p.Asp1440Gly; replaces aspartic acid 1440 with glycine.
Molecular consequence: missense variant. On other transcripts: non-coding transcript variant (2), intron variant (2).
Genome position (GRCh38, 1-based): chr15:51,498,905, T>C on the plus strand (A>G on the coding strand, the complement: DMXL2 is on the minus strand). VCF-style: chr15-51498905-T-C. GRCh37 (hg19) VCF-style: chr15-51791102-T-C.
Other names: c.4319A>G, p.Asp1440Gly (NM_001174116.3, NM_001378458.1, NM_001378459.1 and 4 more transcripts); c.4079A>G, p.Asp1360Gly (NM_001378464.1); c.2765-7158A>G (NM_001378460.1); c.2765-3771A>G (NM_001174117.3); c.4319A>G (NM_001174116.1); short protein forms D1360G, D1440G.
Identifiers: ClinVar variation 2172280 (VCV002172280.2), dbSNP rs773023236, ClinGen allele CA7562029.